The following is an entry in ClinVar:

ClinVar aggregate classification (germline): Uncertain significance (1 of 4 stars; one submission).

Submission:

GeneDx
Classification: Uncertain significance. Last evaluated: 2026-03-25. Review status: criteria provided, single submitter. Criteria: GeneDx Variant Classification Process June 2021. Collection method: clinical testing. Allele origin: germline.
Comment: Not observed at significant frequency in large population cohorts (gnomAD); In silico analysis supports that this missense variant has a deleterious effect on protein structure/function; Has not been previously published as pathogenic or benign to our knowledge

NM_003403.5(YY1):c.942A>C (p.Arg314Ser)

Gene: YY1 (YY1 transcription factor; plus strand). Cytogenetic location: 14q32.2.
Variant type: single nucleotide variant.
Coding change: c.942A>C on transcript NM_003403.5 (MANE Select); coding-DNA position 942, A replaced by C.
Protein change: p.Arg314Ser; replaces arginine 314 with serine.
Molecular consequence: missense variant.
Genome position (GRCh38, 1-based): chr14:100,276,528, A>C. VCF-style: chr14-100276528-A-C. GRCh37 (hg19) VCF-style: chr14-100742865-A-C.
Other names: short protein forms R314S.
Identifiers: ClinVar variation 5017526 (VCV005017526.1).
Genomic context (GRCh38, chr14:100,276,528, plus strand): 5'-AAGCTGCTTTCTCTGTTTTAAGGGCTGCACAAAGATGTTCAGGGATAACTCGGCCATGAG[A>C]AAACATCTGCACACCCACGGTCCCAGAGTCCACGTCTGTGCAGAATGTGGCAAAGCTTTT-3'
Protein context (NP_003394.1, residues 304-324): TKMFRDNSAM[Arg314Ser]KHLHTHGPRV